The following is an entry in ClinVar:

NM_025137.4(SPG11):c.1910A>C (p.Gln637Pro)

Gene: SPG11 (SPG11 vesicle trafficking associated, spatacsin; minus strand). Cytogenetic location: 15q21.1.
Variant type: single nucleotide variant.
Coding change: c.1910A>C on transcript NM_025137.4 (MANE Select); coding-DNA position 1910, A replaced by C.
Protein change: p.Gln637Pro; replaces glutamine 637 with proline.
Molecular consequence: missense variant.
Genome position (GRCh38, 1-based): chr15:44,628,826, T>G on the plus strand (A>C on the coding strand, the complement: SPG11 is on the minus strand). VCF-style: chr15-44628826-T-G. GRCh37 (hg19) VCF-style: chr15-44921024-T-G.
Other names: c.1910A>C, p.Gln637Pro (NM_001160227.2); short protein forms Q637P.
Identifiers: ClinVar variation 946347 (VCV000946347.9), dbSNP rs2083975912, ClinGen allele CA392234397.

ClinVar aggregate classification (germline): Uncertain significance (1 of 4 stars; one submission).

Conditions:
Hereditary spastic paraplegia 11. Also called: Spastic Paraplegia 11; Nakamura Osame syndrome; Autosomal recessive hereditary spastic paraplegia, mental impairment, and thin corpus callosum; Spastic paraplegia, mental retardation and thin corpus callosum; SPASTIC PARAPLEGIA, AUTOSOMAL RECESSIVE, COMPLICATED, WITH THIN CORPUS CALLOSUM; SPASTIC PARAPLEGIA, AUTOSOMAL RECESSIVE, WITH MENTAL IMPAIRMENT AND THIN CORPUS CALLOSUM. Identifiers: Orphanet 2822, MedGen C1858479, MONDO:0011445, OMIM 604360.

Allele frequency attached by ClinVar (database versions not stated): gnomAD exomes below 0.00001.
gnomAD v4.1: 1 of 1,613,418 alleles (0.000062%); highest among the groups gnomAD compares: Non-Finnish European, 0.000085%; no homozygotes.

Submission:

Labcorp Genetics (formerly Invitae), Labcorp
Classification: Uncertain significance for Hereditary spastic paraplegia 11. Last evaluated: 2019-05-17. Review status: criteria provided, single submitter. Criteria: Invitae Variant Classification Sherloc (09022015). Collection method: clinical testing. Allele origin: germline.
Comment: This variant is not present in population databases (ExAC no frequency). In summary, the available evidence is currently insufficient to determine the role of this variant in disease. Therefore, it has been classified as a Variant of Uncertain Significance. Algorithms developed to predict the effect of missense changes on protein structure and function are either unavailable or do not agree on the potential impact of this missense change (SIFT: "Deleterious"; PolyPhen-2: "Probably Damaging"; Align-GVGD: "Class C0"). This variant has not been reported in the literature in individuals with SPG11-related conditions. This sequence change replaces glutamine with proline at codon 637 of the SPG11 protein (p.Gln637Pro). The glutamine residue is moderately conserved and there is a moderate physicochemical difference between glutamine and proline.